The following is an entry in ClinVar:

NM_006393.3(NEBL):c.1225G>A (p.Glu409Lys)

Gene: NEBL (nebulette; minus strand). Cytogenetic location: 10p12.31.
Variant type: single nucleotide variant.
Coding change: c.1225G>A on transcript NM_006393.3 (MANE Select); coding-DNA position 1225, G replaced by A.
Protein change: p.Glu409Lys; replaces glutamic acid 409 with lysine.
Molecular consequence: missense variant. On other transcripts: intron variant (9).
Genome position (GRCh38, 1-based): chr10:20,845,260, C>T on the plus strand (G>A on the coding strand, the complement: NEBL is on the minus strand). VCF-style: chr10-20845260-C-T. GRCh37 (hg19) VCF-style: chr10-21134189-C-T.
Other names: p.E409K:GAG>AAG; c.250-32320G>A (NM_001377326.1, NM_001377327.1, NM_001377328.1); c.358-32320G>A (NM_213569.2, NM_001173484.2, NM_001377322.1); c.301-32320G>A (NM_001377324.1); c.292-32320G>A (NM_001377325.1); c.310-32320G>A (NM_001377323.1); short protein forms E409K.
Identifiers: ClinVar variation 201907 (VCV000201907.14), dbSNP rs767565380, ClinGen allele CA335364.
Genomic context (GRCh38, chr10:20,845,260, plus strand): 5'-CCTGGGTTTTTTCTTTACTTTTCTTCATAATATTTAATAATAAACACCAAGATCGTACCT[C>T]CCTCAGAAGGTTGGTGATGTACTTTACATGTAAAAATTCTGGAGTCTTGTCTAAATCCAG-3'
Protein context (NP_006384.1, residues 399-419): HVKYITNLLR[Glu409Lys]KEYKKDLENE

ClinVar aggregate classification (germline): Uncertain significance. Review status: criteria provided, multiple submitters, no conflicts (2 of 4 stars). 3 submissions from 3 submitters: Uncertain significance (3). Last evaluated 2025-12-23.

Conditions:
Primary dilated cardiomyopathy (DCM). Also called: Dilated Cardiomyopathy. Identifiers: Orphanet 217604, MedGen C0007193, MeSH D002311, MONDO:0005021, HP:0001644. Inheritance: Various modes of inheritance.

Allele frequency attached by ClinVar (database versions not stated): TOPMed 0.00005; ExAC 0.00006; gnomAD 0.00006; gnomAD exomes 0.00006.
gnomAD v4.1: 124 of 1,540,790 alleles (0.008%); highest among the groups gnomAD compares: Non-Finnish European, 0.011%; no homozygotes.

Submissions (3):

GeneDx
Classification: Uncertain significance. Last evaluated: 2025-12-23. Review status: criteria provided, single submitter. Criteria: GeneDx Variant Classification Process June 2021. Collection method: clinical testing. Allele origin: germline. Affected: yes.
Comment: In silico analysis supports that this missense variant has a deleterious effect on protein structure/function; Variants in candidate genes are classified as variants of uncertain significance in accordance with ACMG guidelines (PMID: 25741868); Has not been previously published as pathogenic or benign to our knowledge

Labcorp Genetics (formerly Invitae), Labcorp
Classification: Uncertain significance for Primary dilated cardiomyopathy. Last evaluated: 2025-09-03. Review status: criteria provided, single submitter. Criteria: Invitae Variant Classification Sherloc (09022015). Collection method: clinical testing. Allele origin: germline.
Comment: This sequence change replaces glutamic acid, which is acidic and polar, with lysine, which is basic and polar, at codon 409 of the NEBL protein (p.Glu409Lys). This variant is present in population databases (rs767565380, gnomAD 0.01%). This variant has not been reported in the literature in individuals affected with NEBL-related conditions. ClinVar contains an entry for this variant (Variation ID: 201907). An algorithm developed to predict the effect of missense changes on protein structure and function (PolyPhen-2) suggests that this variant is likely to be tolerated. In summary, the available evidence is currently insufficient to determine the role of this variant in disease. Therefore, it has been classified as a Variant of Uncertain Significance.

Ambry Genetics
Classification: Uncertain significance. Last evaluated: 2022-09-28. Review status: criteria provided, single submitter. Criteria: Ambry Variant Classification Scheme 2023. Collection method: clinical testing. Allele origin: germline.